The following is an entry in ClinVar:

NM_007348.4(ATF6):c.754G>A (p.Ala252Thr)

Gene: ATF6 (activating transcription factor 6; plus strand). Cytogenetic location: 1q23.3.
Variant type: single nucleotide variant.
Coding change: c.754G>A on transcript NM_007348.4 (MANE Select); coding-DNA position 754, G replaced by A.
Protein change: p.Ala252Thr; replaces alanine 252 with threonine.
Molecular consequence: missense variant.
Genome position (GRCh38, 1-based): chr1:161,802,117, G>A. VCF-style: chr1-161802117-G-A. GRCh37 (hg19) VCF-style: chr1-161771907-G-A.
Other names: short protein forms A252T.
Identifiers: ClinVar variation 1062270 (VCV001062270.5), dbSNP rs1255743190, ClinGen allele CA343388635.
Genomic context (GRCh38, chr1:161,802,117, plus strand): 5'-ACGGTTTTGCTGTCTCAGCCTACTGTGGTACAACTTCAAGCACCTGGAGTTCTGCCCTCT[G>A]CTCAGCCAGTCCTTGCTGTTGCTGGGGGAGTCACACAGCTCCCTAATCACGTGGTGAATG-3'
Protein context (NP_031374.2, residues 242-262): QLQAPGVLPS[Ala252Thr]QPVLAVAGGV

ClinVar aggregate classification (germline): Uncertain significance (1 of 4 stars; one submission).

Submission:

Labcorp Genetics (formerly Invitae), Labcorp
Classification: Uncertain significance. Last evaluated: 2022-11-08. Review status: criteria provided, single submitter. Criteria: Invitae Variant Classification Sherloc (09022015). Collection method: clinical testing. Allele origin: germline.
Comment: This sequence change replaces alanine, which is neutral and non-polar, with threonine, which is neutral and polar, at codon 252 of the ATF6 protein (p.Ala252Thr). This variant is not present in population databases (gnomAD no frequency). This variant has not been reported in the literature in individuals affected with ATF6-related conditions. ClinVar contains an entry for this variant (Variation ID: 1062270). Advanced modeling of protein sequence and biophysical properties (such as structural, functional, and spatial information, amino acid conservation, physicochemical variation, residue mobility, and thermodynamic stability) performed at Invitae indicates that this missense variant is not expected to disrupt ATF6 protein function. In summary, the available evidence is currently insufficient to determine the role of this variant in disease. Therefore, it has been classified as a Variant of Uncertain Significance.